The following is an entry in ClinVar:

NM_000551.4(VHL):c.340+689G>A

Genes: VHL (von Hippel-Lindau tumor suppressor; plus strand), LOC107303340 (3p25 von Hippel-Lindau tumor suppressor, E3 ubiquitin protein ligase Alu-mediated recombination region; plus strand). Cytogenetic location: 3p25.3.
Variant type: single nucleotide variant.
Coding change: c.340+689G>A on transcript NM_000551.4 (MANE Select); 689 bases into the intron after coding-DNA position 340, G replaced by A.
Molecular consequence: intron variant. On other transcripts: missense variant (1), non-coding transcript variant (1).
Genome position (GRCh38, 1-based): chr3:10,142,876, G>A. VCF-style: chr3-10142876-G-A. GRCh37 (hg19) VCF-style: chr3-10184560-G-A.
Other names: c.454G>A, p.Ala152Thr (NM_001354723.2); c.340+689G>A (NM_198156.3); short protein forms A152T.
Identifiers: ClinVar variation 3750200 (VCV003750200.2).
Genomic context (GRCh38, chr3:10,142,876, plus strand): 5'-ACATTCCTCCTGGGGAGACTGACAGATGCAAAGACAGGAACAAGCCAGGGTCATGTTGGC[G>A]CCGGAAGAGCCGACCGTGTGTGGCGTGGGAAATTGACTTACCTGCCTGCTGGGAGATGGA-3'

ClinVar aggregate classification (germline): Uncertain significance (1 of 4 stars; one submission).

Conditions:
Chuvash polycythemia. Also called: POLYCYTHEMIA, VHL-DEPENDENT. Identifiers: Orphanet 238557, MedGen C1837915, MONDO:0009892, OMIM 263400.
Von Hippel-Lindau syndrome (VHLS). Also called: Von Hippel-Lindau; von Hippel–Lindau syndrome; VHL syndrome. Identifiers: Orphanet 892, MedGen C0019562, MONDO:0008667, OMIM 193300. Disease mechanism: loss of function.

Submission:

Labcorp Genetics (formerly Invitae), Labcorp
Classification: Uncertain significance for Von Hippel-Lindau syndrome; Chuvash polycythemia. Last evaluated: 2024-03-12. Review status: criteria provided, single submitter. Criteria: Invitae Variant Classification Sherloc (09022015). Collection method: clinical testing. Allele origin: germline.
Comment: This sequence change falls in intron 1 of the VHL gene. It is not expected to change the encoded amino acid sequence of the VHL protein. However, this sequence change falls within a cryptic exon in the VHL gene, known as exon E1’, which is naturally expressed at low levels in several human tissues (PMID: 29891534). This variant is not present in population databases (gnomAD no frequency). This variant has not been reported in the literature in individuals affected with VHL-related conditions. Algorithms developed to predict the effect of sequence changes on RNA splicing suggest that this variant is not likely to affect RNA splicing. In summary, the available evidence is currently insufficient to determine the role of this variant in disease. Therefore, it has been classified as a Variant of Uncertain Significance.

Literature cited by the submitters: PubMed 29891534.